The following is an entry in ClinVar:

NC_012920.1(MT-ND5):m.13802C>T

Gene: MT-ND5 (mitochondrially encoded NADH dehydrogenase 5; plus strand).
Variant type: single nucleotide variant.
Genome position: chrM-13802-C-T.
Identifiers: ClinVar variation 693613 (VCV000693613.2), dbSNP rs1556424329, ClinGen allele CA414819587.

ClinVar aggregate classification (germline): Benign/Likely benign. Review status: criteria provided, multiple submitters, no conflicts (2 of 4 stars). 2 submissions from 2 submitters: Benign (1); Likely benign (1). Last evaluated 2025-02-16.

Conditions:
Leigh syndrome (NULS). Also called: Leigh's necrotizing encephalopathy; Leigh's disease; Leigh's syndrome; LEIGH SYNDROME, NUCLEAR; Leigh Syndrome (mtDNA deletion); Leigh Disease. Identifiers: Orphanet 506, MedGen C2931891, MONDO:0009723, OMIM 256000.

Submissions (2):

Laboratory of Genetics, Children's Clinical University Hospital Latvia
Classification: Likely benign. Last evaluated: 2025-02-16. Review status: criteria provided, single submitter. Criteria: ACMG Guidelines, 2015. Collection method: clinical testing. Allele origin: germline. Affected: yes.

Wong Mito Lab, Molecular and Human Genetics, Baylor College of Medicine
Classification: Benign for Leigh syndrome. Last evaluated: 2019-10-17. Review status: criteria provided, single submitter. Criteria: Modified ACMG Guidelines (Unpublished). Collection method: clinical testing. Allele origin: germline.
Comment: The NC_012920.1:m.13802C>T (YP_003024036.1:p.Thr489Met) variant in MTND5 gene is interpretated to be a Benign variant based on the modified ACMG guidelines (unpublished). This variant meets the following evidence codes: BS1, BS2, BP4